The following is an entry in ClinVar:

NM_001308210.2(TSHZ1):c.439G>T (p.Asp147Tyr)

Gene: TSHZ1 (teashirt zinc finger homeobox 1; plus strand). Cytogenetic location: 18q22.3.
Variant type: single nucleotide variant.
Coding change: c.439G>T on transcript NM_001308210.2 (MANE Select); coding-DNA position 439, G replaced by T.
Protein change: p.Asp147Tyr; replaces aspartic acid 147 with tyrosine.
Molecular consequence: missense variant.
Genome position (GRCh38, 1-based): chr18:75,285,846, G>T. VCF-style: chr18-75285846-G-T. GRCh37 (hg19) VCF-style: chr18-72997801-G-T.
Other names: c.304G>T, p.Asp102Tyr (NM_005786.6); c.304G>T (NM_005786.4); short protein forms D102Y, D147Y.
Identifiers: ClinVar variation 3054263 (VCV003054263.3), dbSNP rs781109773, ClinGen allele CA402778767.

ClinVar aggregate classification (germline): Uncertain significance. Review status: criteria provided, single submitter (1 of 4 stars). 2 submissions from 2 submitters: Uncertain significance (1). 1 of the submissions does not count toward it. Last evaluated 2024-05-20.

Conditions:
TSHZ1-related disorder. Also called: TSHZ1-related condition.

Submissions (2):

Ambry Genetics
Classification: Uncertain significance. Last evaluated: 2024-05-20. Review status: criteria provided, single submitter. Criteria: Ambry Variant Classification Scheme 2023. Collection method: clinical testing. Allele origin: germline.

PreventionGenetics, part of Exact Sciences
Classification: Uncertain significance for TSHZ1-related condition. Last evaluated: 2023-11-27. Review status: no assertion criteria provided. Collection method: clinical testing. Allele origin: germline. Not counted in ClinVar's aggregate classification.
Comment: The TSHZ1 c.304G>T variant is predicted to result in the amino acid substitution p.Asp102Tyr. To our knowledge, this variant has not been reported in the literature or in a large population database, indicating this variant is rare. At this time, the clinical significance of this variant is uncertain due to the absence of conclusive functional and genetic evidence.